The following is an entry in ClinVar:

ClinVar aggregate classification (germline): Likely benign (1 of 4 stars; one submission).

gnomAD v4.1: 25 of 1,444,572 alleles (0.0017%); highest among the groups gnomAD compares: Admixed American, 0.061%; no homozygotes.

Submission:

CeGaT Center for Human Genetics Tuebingen
Classification: Likely benign. Last evaluated: 2025-12-01. Review status: criteria provided, single submitter. Criteria: CeGaT Center For Human Genetics Tuebingen Variant Classification Criteria Version 2. Collection method: clinical testing. Allele origin: germline. Affected: yes. Observed: 1 variant allele.
Comment: FBRSL1: BP4, BP7

NM_001367871.1(FBRSL1):c.2299C>T (p.Leu767=)

Gene: FBRSL1 (fibrosin like 1; plus strand). Cytogenetic location: 12q24.33.
Variant type: single nucleotide variant.
Coding change: c.2299C>T on transcript NM_001367871.1 (MANE Select); coding-DNA position 2299, C replaced by T.
Protein change: p.Leu767=; no amino-acid change (leucine 767 retained).
Molecular consequence: synonymous variant.
Genome position (GRCh38, 1-based): chr12:132,583,068, C>T. VCF-style: chr12-132583068-C-T. GRCh37 (hg19) VCF-style: chr12-133159654-C-T.
Other names: c.2428C>T, p.Leu810= (NM_001142641.2); c.2353C>T, p.Leu785= (NM_001382739.1); c.1678C>T, p.Leu560= (NM_001382740.1).
Identifiers: ClinVar variation 4681754 (VCV004681754.5).